The following is an entry in ClinVar:

ClinVar aggregate classification (germline): Uncertain significance (1 of 4 stars; one submission).

Allele frequency attached by ClinVar (database versions not stated): gnomAD 0.00001; TOPMed 0.00001.
gnomAD v4.1: 55 of 1,612,738 alleles (0.0034%); highest among the groups gnomAD compares: Non-Finnish European, 0.0045%; no homozygotes.

Submission:

Labcorp Genetics (formerly Invitae), Labcorp
Classification: Uncertain significance. Last evaluated: 2025-11-04. Review status: criteria provided, single submitter. Criteria: Invitae Variant Classification Sherloc (09022015). Collection method: clinical testing. Allele origin: germline.
Comment: This sequence change replaces aspartic acid, which is acidic and polar, with histidine, which is basic and polar, at codon 315 of the COL9A3 protein (p.Asp315His). This variant is not present in population databases (gnomAD no frequency). This variant has not been reported in the literature in individuals affected with COL9A3-related conditions. ClinVar contains an entry for this variant (Variation ID: 2990448). Invitae Evidence Modeling of protein sequence and biophysical properties (such as structural, functional, and spatial information, amino acid conservation, physicochemical variation, residue mobility, and thermodynamic stability) indicates that this missense variant is not expected to disrupt COL9A3 protein function with a negative predictive value of 95%. In summary, the available evidence is currently insufficient to determine the role of this variant in disease. Therefore, it has been classified as a Variant of Uncertain Significance.

NM_001853.4(COL9A3):c.943G>C (p.Asp315His)

Gene: COL9A3 (collagen type IX alpha 3 chain; plus strand). Cytogenetic location: 20q13.33.
Variant type: single nucleotide variant.
Coding change: c.943G>C on transcript NM_001853.4 (MANE Select); coding-DNA position 943, G replaced by C.
Protein change: p.Asp315His; replaces aspartic acid 315 with histidine.
Molecular consequence: missense variant.
Genome position (GRCh38, 1-based): chr20:62,828,806, G>C. VCF-style: chr20-62828806-G-C. GRCh37 (hg19) VCF-style: chr20-61460158-G-C.
Other names: short protein forms D315H.
Identifiers: ClinVar variation 2990448 (VCV002990448.3), dbSNP rs776778797, ClinGen allele CA317333071.